The following is an entry in ClinVar:

ClinVar aggregate classification (germline): Conflicting classifications of pathogenicity. Review status: criteria provided, conflicting classifications (1 of 4 stars). 3 submissions from 3 submitters: Uncertain significance (2); Likely benign (1). Last evaluated 2023-12-05.

Conditions:
Hereditary cancer-predisposing syndrome. Also called: Tumor predisposition; Neoplastic Syndromes, Hereditary; Hereditary neoplastic syndrome; Hereditary Cancer Syndrome. Identifiers: Orphanet 140162, MedGen C0027672, MeSH D009386, MONDO:0015356.
Hereditary breast ovarian cancer syndrome. Also called: Hereditary breast and ovarian cancer; Hereditary breast and ovarian cancer syndrome (HBOC); Breast and ovarian cancer; Hereditary breast and ovarian cancer syndrome; BRCA1- and BRCA2-Associated Hereditary Breast and Ovarian Cancer; Hereditary breast and/or ovarian cancer syndrome. Identifiers: Orphanet 145, MedGen C0677776, MeSH D061325, MONDO:0003582. Disease mechanism: loss of function.

Submissions (3):

Color Diagnostics, LLC DBA Color Health
Classification: Uncertain significance for Hereditary cancer-predisposing syndrome. Last evaluated: 2023-12-05. Review status: criteria provided, single submitter. Criteria: ACMG Guidelines, 2015. Collection method: clinical testing. Allele origin: germline.
Comment: This missense variant replaces asparagine with tyrosine at codon 615 of the BRCA2 protein. Computational prediction suggests that this variant may not impact protein structure and function (internally defined REVEL score threshold <= 0.5, PMID: 27666373). To our knowledge, functional studies have not been reported for this variant. This variant has not been reported in individuals affected with BRCA2-related disorders in the literature. This variant has not been identified in the general population by the Genome Aggregation Database (gnomAD). The available evidence is insufficient to determine the role of this variant in disease conclusively. Therefore, this variant is classified as a Variant of Uncertain Significance.

University of Washington Department of Laboratory Medicine, University of Washington
Classification: Likely benign for Hereditary cancer-predisposing syndrome. Last evaluated: 2023-03-23. Review status: criteria provided, single submitter. Criteria: Dines et al. (Genet Med. 2020). Collection method: curation. Allele origin: germline.
Comment: Missense variant in a coldspot region where missense variants are very unlikely to be pathogenic (PMID:31911673).

BRCA2 exon 10 coldspot. Reclassification based on statistical prior probability.

Labcorp Genetics (formerly Invitae), Labcorp
Classification: Uncertain significance for Hereditary breast ovarian cancer syndrome. Last evaluated: 2022-05-27. Review status: criteria provided, single submitter. Criteria: Invitae Variant Classification Sherloc (09022015). Collection method: clinical testing. Allele origin: germline.
Comment: Advanced modeling of protein sequence and biophysical properties (such as structural, functional, and spatial information, amino acid conservation, physicochemical variation, residue mobility, and thermodynamic stability) performed at Invitae indicates that this missense variant is not expected to disrupt BRCA2 protein function. ClinVar contains an entry for this variant (Variation ID: 631029). This variant has not been reported in the literature in individuals affected with BRCA2-related conditions. This variant is not present in population databases (gnomAD no frequency). This sequence change replaces asparagine, which is neutral and polar, with tyrosine, which is neutral and polar, at codon 615 of the BRCA2 protein (p.Asn615Tyr). In summary, the available evidence is currently insufficient to determine the role of this variant in disease. Therefore, it has been classified as a Variant of Uncertain Significance.

NM_000059.4(BRCA2):c.1843A>T (p.Asn615Tyr)

Gene: BRCA2 (BRCA2 DNA repair associated; plus strand). Cytogenetic location: 13q13.1.
Variant type: single nucleotide variant.
Coding change: c.1843A>T on transcript NM_000059.4 (MANE Select); coding-DNA position 1843, A replaced by T.
Protein change: p.Asn615Tyr; replaces asparagine 615 with tyrosine.
Molecular consequence: missense variant.
Genome position (GRCh38, 1-based): chr13:32,333,321, A>T. VCF-style: chr13-32333321-A-T. GRCh37 (hg19) VCF-style: chr13-32907458-A-T.
Other names: short protein forms N615Y.
Identifiers: ClinVar variation 631029 (VCV000631029.16), dbSNP rs777641881, ClinGen allele CA387766301.